The following is an entry in ClinVar:

NM_020759.3(STARD9):c.6398T>C (p.Met2133Thr)

Gene: STARD9 (StAR related lipid transfer domain containing 9; plus strand). Cytogenetic location: 15q15.2.
Variant type: single nucleotide variant.
Coding change: c.6398T>C on transcript NM_020759.3 (MANE Select); coding-DNA position 6398, T replaced by C.
Protein change: p.Met2133Thr; replaces methionine 2133 with threonine.
Molecular consequence: missense variant.
Genome position (GRCh38, 1-based): chr15:42,687,976, T>C. VCF-style: chr15-42687976-T-C. GRCh37 (hg19) VCF-style: chr15-42980174-T-C.
Other names: short protein forms M2133T.
Identifiers: ClinVar variation 2572186 (VCV002572186.1), dbSNP rs774119463, ClinGen allele CA7514448.

ClinVar aggregate classification (germline): Uncertain significance (1 of 4 stars; one submission).

Allele frequency attached by ClinVar (database versions not stated): gnomAD exomes 0.00001; ExAC 0.00005; gnomAD 0.00012; TOPMed 0.00014.
gnomAD v4.1: 27 of 1,537,352 alleles (0.0018%); highest among the groups gnomAD compares: African/African-American, 0.034%; no homozygotes.

Submission:

Greenwood Genetic Center Diagnostic Laboratories, Greenwood Genetic Center
Classification: Uncertain significance. Last evaluated: 2023-05-02. Review status: criteria provided, single submitter. Criteria: ACMG Guidelines, 2015. Collection method: clinical testing. Allele origin: germline. Affected: yes.
Comment: Gene of Uncertain Significance